The following is an entry in ClinVar:

NM_032578.4(MYPN):c.1550C>A (p.Ala517Glu)

Gene: MYPN (myopalladin; plus strand). Cytogenetic location: 10q21.3.
Variant type: single nucleotide variant.
Coding change: c.1550C>A on transcript NM_032578.4 (MANE Select); coding-DNA position 1550, C replaced by A.
Protein change: p.Ala517Glu; replaces alanine 517 with glutamic acid.
Molecular consequence: missense variant. On other transcripts: non-coding transcript variant (2).
Genome position (GRCh38, 1-based): chr10:68,165,768, C>A. VCF-style: chr10-68165768-C-A. GRCh37 (hg19) VCF-style: chr10-69925525-C-A.
Other names: c.1550C>A (NM_032578.3); c.1550C>A, p.Ala517Glu (NM_001256267.2); c.668C>A, p.Ala223Glu (NM_001256268.2); short protein forms A223E, A517E.
Identifiers: ClinVar variation 1015332 (VCV001015332.13), dbSNP rs1052323892, ClinGen allele CA208192012.
Genomic context (GRCh38, chr10:68,165,768, plus strand): 5'-TTTGCACCTTGGTCATTGCTGAGGTGTTTGCAGAAGATTCTGGGTGCTTCACATGTACTG[C>A]AAGCAACAAATACGGCACAGTGTCAAGCATTGCACAGCTGCACGTGAGAGGTAAGGACTC-3'
Protein context (NP_115967.2, residues 507-527): AEDSGCFTCT[Ala517Glu]SNKYGTVSSI

ClinVar aggregate classification (germline): Uncertain significance. Review status: criteria provided, multiple submitters, no conflicts (2 of 4 stars). 4 submissions from 4 submitters: Uncertain significance (4). Last evaluated 2025-11-02.

Conditions:
Cardiovascular phenotype. Identifiers: MedGen CN230736.
Dilated cardiomyopathy 1KK (CMD1KK). Identifiers: Orphanet 154, Orphanet 75249, MedGen C3714995, MONDO:0014100, OMIM 615248.

Allele frequency attached by ClinVar (database versions not stated): gnomAD exomes below 0.00001; TOPMed 0.00002; gnomAD 0.00001.
gnomAD v4.1: 4 of 1,614,056 alleles (0.00025%); highest among the groups gnomAD compares: African/African-American, 0.004%; no homozygotes.

Submissions (4):

Ambry Genetics
Classification: Uncertain significance for Cardiovascular phenotype. Last evaluated: 2025-11-02. Review status: criteria provided, single submitter. Criteria: Ambry Variant Classification Scheme 2023. Collection method: clinical testing. Allele origin: germline.
Comment: The p.A517E variant (also known as c.1550C>A), located in coding exon 8 of the MYPN gene, results from a C to A substitution at nucleotide position 1550. The alanine at codon 517 is replaced by glutamic acid, an amino acid with dissimilar properties. This amino acid position is highly conserved in available vertebrate species. In addition, this alteration is predicted to be deleterious by in silico analysis. Since supporting evidence is limited at this time, the clinical significance of this alteration remains unclear.

Labcorp Genetics (formerly Invitae), Labcorp
Classification: Uncertain significance for Dilated cardiomyopathy 1KK. Last evaluated: 2023-12-11. Review status: criteria provided, single submitter. Criteria: Invitae Variant Classification Sherloc (09022015). Collection method: clinical testing. Allele origin: germline.
Comment: This sequence change replaces alanine, which is neutral and non-polar, with glutamic acid, which is acidic and polar, at codon 517 of the MYPN protein (p.Ala517Glu). This variant is present in population databases (no rsID available, gnomAD 0.004%). This variant has not been reported in the literature in individuals affected with MYPN-related conditions. ClinVar contains an entry for this variant (Variation ID: 1015332). An algorithm developed to predict the effect of missense changes on protein structure and function (PolyPhen-2) suggests that this variant is likely to be disruptive. In summary, the available evidence is currently insufficient to determine the role of this variant in disease. Therefore, it has been classified as a Variant of Uncertain Significance.

AiLife Diagnostics
Classification: Uncertain significance. Last evaluated: 2021-10-20. Review status: criteria provided, single submitter. Criteria: ACMG Guidelines, 2015. Collection method: clinical testing. Allele origin: germline. Affected: yes. Observed: 1 variant allele.

Revvity Omics, Revvity
Classification: Uncertain significance. Last evaluated: 2021-06-21. Review status: criteria provided, single submitter. Criteria: ACMG Guidelines, 2015. Collection method: clinical testing. Allele origin: germline.